The following is an entry in ClinVar:

NM_001267550.2(TTN):c.95805C>A (p.Tyr31935Ter)

Genes: TTN-AS1 (TTN antisense RNA 1; plus strand), TTN (titin; minus strand). Cytogenetic location: 2q31.2.
Variant type: single nucleotide variant.
Coding change: c.95805C>A on transcript NM_001267550.2 (MANE Select); coding-DNA position 95805, C replaced by A.
Protein change: p.Tyr31935Ter; replaces tyrosine 31935 with a stop codon.
Molecular consequence: nonsense.
Genome position (GRCh38, 1-based): chr2:178,544,424, G>T on the plus strand (C>A on the coding strand, the complement: TTN is on the minus strand). VCF-style: chr2-178544424-G-T. GRCh37 (hg19) VCF-style: chr2-179409151-G-T.
Other names: c.90882C>A, p.Tyr30294Ter (NM_001256850.1); c.68610C>A, p.Tyr22870Ter (NM_003319.4); c.88101C>A, p.Tyr29367Ter (NM_133378.4); c.68985C>A, p.Tyr22995Ter (NM_133432.3); c.69186C>A, p.Tyr23062Ter (NM_133437.4); short protein forms Y31935*, Y30294*, Y22870*, Y23062*, Y29367*, Y22995*.
Identifiers: ClinVar variation 405070 (VCV000405070.10), dbSNP rs375076970, ClinGen allele CA16610217.

ClinVar aggregate classification (germline): Likely pathogenic (1 of 4 stars; one submission).

Conditions:
Dilated cardiomyopathy 1G (CMD1G). Identifiers: Orphanet 154, MedGen C1858763, MONDO:0011400, OMIM 604145.
Autosomal recessive limb-girdle muscular dystrophy type 2J (LGMDR10). Also called: Limb-girdle muscular dystrophy, type 2J; MUSCULAR DYSTROPHY, LIMB-GIRDLE, AUTOSOMAL RECESSIVE 10. Identifiers: Orphanet 140922, MedGen C1837342, MONDO:0012127, OMIM 608807.

Submission:

Labcorp Genetics (formerly Invitae), Labcorp
Classification: Likely pathogenic for Dilated cardiomyopathy 1G; Autosomal recessive limb-girdle muscular dystrophy type 2J. Last evaluated: 2023-10-28. Review status: criteria provided, single submitter. Criteria: Invitae Variant Classification Sherloc (09022015). Collection method: clinical testing. Allele origin: germline.
Comment: This sequence change creates a premature translational stop signal (p.Tyr31935*) in the TTN gene. While this is not anticipated to result in nonsense mediated decay, it is expected to create a truncated TTN protein. This variant is not present in population databases (gnomAD no frequency). This variant has not been reported in the literature in individuals affected with TTN-related conditions. ClinVar contains an entry for this variant (Variation ID: 405070). This variant is located in the A band of TTN (PMID: 25589632). Truncating variants in this region are significantly overrepresented in patients affected with dilated cardiomyopathy (PMID: 25589632). Truncating variants in this region have also been reported in individuals affected with autosomal recessive centronuclear myopathy (PMID: 23975875). In summary, the currently available evidence indicates that the variant is pathogenic, but additional data are needed to prove that conclusively. Therefore, this variant has been classified as Likely Pathogenic.

Literature cited by the submitters: PubMed 25589632; PubMed 23975875.